The following is an entry in ClinVar:

ClinVar aggregate classification (germline): Pathogenic (1 of 4 stars; one submission).

Conditions:
Usher syndrome type 2C. Also called: Usher syndrome, type 2B; USHER SYNDROME, TYPE IIC. Identifiers: Orphanet 231178, Orphanet 886, MedGen C2931213, MONDO:0011558, OMIM 605472.

Submission:

Victorian Clinical Genetics Services, Murdoch Childrens Research Institute
Classification: Pathogenic for Usher syndrome type 2C. Last evaluated: 2026-05-21. Review status: criteria provided, single submitter. Criteria: ACMG Guidelines, 2015. Collection method: clinical testing. Allele origin: germline. Affected: yes.
Comment: This variant is classified as Pathogenic. Evidence in support of pathogenic classification: Variant is predicted to cause nonsense-mediated decay (NMD) and loss of protein (premature termination codon is located at least 54 nucleotides upstream of the final exon-exon junction); Variant is absent from gnomAD (v2, v3 and v4); Other NMD-predicted variant(s) comparable to the one identified in this case have very strong previous evidence for pathogenicity (DECIPHER). Additional information: This variant is heterozygous; This gene is associated with autosomal recessive disease. There is an emerging autosomal dominant association with epilepsy (MONDO:0005027), ADGRV1-related (PanelApp Australia); Loss of function is a known mechanism of disease in this gene and is associated with Usher syndrome, type 2C (MIM#605472).

NM_032119.4(ADGRV1):c.13694del (p.Leu4565fs)

Gene: ADGRV1 (adhesion G protein-coupled receptor V1; plus strand). Cytogenetic location: 5q14.3.
Variant type: Deletion.
Coding change: c.13694del on transcript NM_032119.4 (MANE Select); coding-DNA position 13694, one base deleted (T; older notation c.13694delT).
Protein change: p.Leu4565fs; shifts the reading frame from leucine 4565.
Molecular consequence: frameshift variant. On other transcripts: non-coding transcript variant (1).
Genome position (GRCh38, 1-based): chr5:90,788,111, T deleted; the last of 2 consecutive T bases (chr5:90,788,110-90,788,111); deleting either gives the same sequence. VCF-style (leftmost placement, unchanged base first): chr5-90788109-CT-C. GRCh37 (hg19) VCF-style: chr5-90083926-CT-C.
Other names: short protein forms L4565fs.
Identifiers: ClinVar variation 4879734 (VCV004879734.1).